The following is an entry in ClinVar:

NM_001330260.2(SCN8A):c.5741G>A (p.Gly1914Asp)

Gene: SCN8A (sodium voltage-gated channel alpha subunit 8; plus strand). Cytogenetic location: 12q13.13.
Variant type: single nucleotide variant.
Coding change: c.5741G>A on transcript NM_001330260.2 (MANE Select); coding-DNA position 5741, G replaced by A.
Protein change: p.Gly1914Asp; replaces glycine 1914 with aspartic acid.
Molecular consequence: missense variant.
Genome position (GRCh38, 1-based): chr12:51,807,227, G>A. VCF-style: chr12-51807227-G-A. GRCh37 (hg19) VCF-style: chr12-52201011-G-A.
Other names: c.5618G>A, p.Gly1873Asp (NM_001177984.3, NM_001369788.1); c.5741G>A, p.Gly1914Asp (NM_014191.4); short protein forms G1873D, G1914D.
Identifiers: ClinVar variation 2097452 (VCV002097452.4), dbSNP rs2540336187, ClinGen allele CA384889047.

ClinVar aggregate classification (germline): Uncertain significance (1 of 4 stars; one submission).

Conditions:
Early-infantile DEE. Also called: Early infantile epileptic encephalopathy; Early infantile epileptic encephalopathy with suppression bursts; Ohtahara syndrome. Identifiers: Orphanet 1934, MedGen C0393706, MONDO:0800491.

Submission:

Labcorp Genetics (formerly Invitae), Labcorp
Classification: Uncertain significance for Early-infantile DEE. Last evaluated: 2022-02-13. Review status: criteria provided, single submitter. Criteria: Invitae Variant Classification Sherloc (09022015). Collection method: clinical testing. Allele origin: germline.
Comment: This variant is not present in population databases (gnomAD no frequency). This variant has not been reported in the literature in individuals affected with SCN8A-related conditions. This sequence change replaces glycine, which is neutral and non-polar, with aspartic acid, which is acidic and polar, at codon 1914 of the SCN8A protein (p.Gly1914Asp). In summary, the available evidence is currently insufficient to determine the role of this variant in disease. Therefore, it has been classified as a Variant of Uncertain Significance. Algorithms developed to predict the effect of missense changes on protein structure and function are either unavailable or do not agree on the potential impact of this missense change (SIFT: "Deleterious"; PolyPhen-2: "Possibly Damaging"; Align-GVGD: "Class C0").